The following is an entry in ClinVar:

ClinVar aggregate classification (germline): Uncertain significance (1 of 4 stars; one submission).

Submission:

CeGaT Center for Human Genetics Tuebingen
Classification: Uncertain significance. Last evaluated: 2022-08-01. Review status: criteria provided, single submitter. Criteria: CeGaT Center For Human Genetics Tuebingen Variant Classification Criteria Version 2. Collection method: clinical testing. Allele origin: germline. Affected: yes. Observed: 1 variant allele.
Comment: DNAJB2: PM2, BP4

NM_006736.6(DNAJB2):c.905G>T (p.Gly302Val)

Gene: DNAJB2 (DnaJ heat shock protein family (Hsp40) member B2; plus strand). Cytogenetic location: 2q35.
Variant type: single nucleotide variant.
Coding change: c.905G>T on transcript NM_006736.6 (MANE Select); coding-DNA position 905, G replaced by T.
Protein change: p.Gly302Val; replaces glycine 302 with valine.
Molecular consequence: missense variant. On other transcripts: intron variant (1).
Genome position (GRCh38, 1-based): chr2:219,284,917, G>T. VCF-style: chr2-219284917-G-T. GRCh37 (hg19) VCF-style: chr2-220149639-G-T.
Other names: c.823+82G>T (NM_001039550.2); short protein forms G302V.
Identifiers: ClinVar variation 1711526 (VCV001711526.30), dbSNP rs2545034781, ClinGen allele CA350653647.